The following is an entry in ClinVar:

NM_001458.5(FLNC):c.6152T>G (p.Leu2051Arg)

Genes: FLNC-AS1 (FLNC antisense RNA 1; minus strand), FLNC (filamin C; plus strand). Cytogenetic location: 7q32.1.
Variant type: single nucleotide variant.
Coding change: c.6152T>G on transcript NM_001458.5 (MANE Select); coding-DNA position 6152, T replaced by G.
Protein change: p.Leu2051Arg; replaces leucine 2051 with arginine.
Molecular consequence: missense variant.
Genome position (GRCh38, 1-based): chr7:128,852,975, T>G. VCF-style: chr7-128852975-T-G. GRCh37 (hg19) VCF-style: chr7-128493029-T-G.
Other names: c.6053T>G, p.Leu2018Arg (NM_001127487.2); short protein forms L2018R, L2051R.
Identifiers: ClinVar variation 1379445 (VCV001379445.8), dbSNP rs2128938929, ClinGen allele CA369211441.

ClinVar aggregate classification (germline): Uncertain significance (1 of 4 stars; one submission).

Conditions:
Myofibrillar myopathy 5. Also called: Filaminopathy (type); FILAMINOPATHY, AUTOSOMAL DOMINANT. Identifiers: Orphanet 171445, MedGen C1836050, MONDO:0012289, OMIM 609524.
Distal myopathy with posterior leg and anterior hand involvement. Also called: WILLIAMS DISTAL MYOPATHY. Identifiers: Orphanet 63273, MedGen C3279722, MONDO:0013550, OMIM 614065.
Hypertrophic cardiomyopathy 26. Also called: Cardiomyopathy, familial hypertrophic, 26. Identifiers: Orphanet 75249, MedGen C4310749, MONDO:0014883, OMIM 617047.

Submission:

Labcorp Genetics (formerly Invitae), Labcorp
Classification: Uncertain significance for Distal myopathy with posterior leg and anterior hand involvement; Myofibrillar myopathy 5; Hypertrophic cardiomyopathy 26. Last evaluated: 2021-03-17. Review status: criteria provided, single submitter. Criteria: Invitae Variant Classification Sherloc (09022015). Collection method: clinical testing. Allele origin: germline.
Comment: In summary, the available evidence is currently insufficient to determine the role of this variant in disease. Therefore, it has been classified as a Variant of Uncertain Significance. Algorithms developed to predict the effect of missense changes on protein structure and function are either unavailable or do not agree on the potential impact of this missense change (SIFT: "Tolerated"; PolyPhen-2: "Probably Damaging"; Align-GVGD: "Class C0"). This variant has not been reported in the literature in individuals with FLNC-related conditions. This variant is not present in population databases (ExAC no frequency). This sequence change replaces leucine with arginine at codon 2051 of the FLNC protein (p.Leu2051Arg). The leucine residue is highly conserved and there is a moderate physicochemical difference between leucine and arginine.